The following is an entry in ClinVar:

NM_033026.6(PCLO):c.2875G>A (p.Gly959Arg)

Gene: PCLO (piccolo presynaptic cytomatrix protein; minus strand). Cytogenetic location: 7q21.11.
Variant type: single nucleotide variant.
Coding change: c.2875G>A on transcript NM_033026.6 (MANE Select); coding-DNA position 2875, G replaced by A.
Protein change: p.Gly959Arg; replaces glycine 959 with arginine.
Molecular consequence: missense variant.
Genome position (GRCh38, 1-based): chr7:83,134,675, C>T on the plus strand (G>A on the coding strand, the complement: PCLO is on the minus strand). VCF-style: chr7-83134675-C-T. GRCh37 (hg19) VCF-style: chr7-82763991-C-T.
Other names: c.2875G>A, p.Gly959Arg (NM_014510.3); short protein forms G959R.
Identifiers: ClinVar variation 1721724 (VCV001721724.5), dbSNP rs2484834483, ClinGen allele CA367898488.

ClinVar aggregate classification (germline): Uncertain significance (1 of 4 stars; one submission).

Allele frequency attached by ClinVar (database versions not stated): gnomAD exomes below 0.00001.
gnomAD v4.1: 2 of 1,613,646 alleles (0.00012%); highest among the groups gnomAD compares: Admixed American, 0.0017%; no homozygotes.

Submission:

Labcorp Genetics (formerly Invitae), Labcorp
Classification: Uncertain significance. Last evaluated: 2022-10-16. Review status: criteria provided, single submitter. Criteria: Invitae Variant Classification Sherloc (09022015). Collection method: clinical testing. Allele origin: germline.
Comment: Algorithms developed to predict the effect of missense changes on protein structure and function are either unavailable or do not agree on the potential impact of this missense change (SIFT: "Tolerated"; PolyPhen-2: "Not Available"; Align-GVGD: "Class C0"). This variant has not been reported in the literature in individuals affected with PCLO-related conditions. This variant is not present in population databases (gnomAD no frequency). This sequence change replaces glycine, which is neutral and non-polar, with arginine, which is basic and polar, at codon 959 of the PCLO protein (p.Gly959Arg). In summary, the available evidence is currently insufficient to determine the role of this variant in disease. Therefore, it has been classified as a Variant of Uncertain Significance.